The following is an entry in ClinVar:

NM_002861.5(PCYT2):c.780G>A (p.Gly260=)

Gene: PCYT2 (phosphate cytidylyltransferase 2, ethanolamine; minus strand). Cytogenetic location: 17q25.3.
Variant type: single nucleotide variant.
Coding change: c.780G>A on transcript NM_002861.5 (MANE Select); coding-DNA position 780, G replaced by A.
Protein change: p.Gly260=; no amino-acid change (glycine 260 retained).
Molecular consequence: synonymous variant.
Genome position (GRCh38, 1-based): chr17:81,906,157, C>T on the plus strand (G>A on the coding strand, the complement: PCYT2 is on the minus strand). VCF-style: chr17-81906157-C-T. GRCh37 (hg19) VCF-style: chr17-79864033-C-T.
Other names: c.834G>A, p.Gly278= (NM_001184917.3); c.618G>A, p.Gly206= (NM_001256433.3); c.657G>A, p.Gly219= (NM_001256434.3); c.546G>A, p.Gly182= (NM_001256435.3, NM_001282203.2); c.684G>A, p.Gly228= (NM_001282204.2); c.780G>A, p.Gly260= (NM_001330518.2).
Identifiers: ClinVar variation 2648471 (VCV002648471.24), dbSNP rs2510045540, ClinGen allele CA502315071.

ClinVar aggregate classification (germline): Likely benign (1 of 4 stars; one submission).

Allele frequency attached by ClinVar (database versions not stated): gnomAD exomes below 0.00001.
gnomAD v4.1: 1 of 1,612,478 alleles (0.000062%); highest among the groups gnomAD compares: Middle Eastern, 0.017%; no homozygotes.

Submission:

CeGaT Center for Human Genetics Tuebingen
Classification: Likely benign. Last evaluated: 2022-06-01. Review status: criteria provided, single submitter. Criteria: CeGaT Center For Human Genetics Tuebingen Variant Classification Criteria Version 2. Collection method: clinical testing. Allele origin: germline. Affected: yes. Observed: 1 variant allele.
Comment: PCYT2: PM2:Supporting, BP4, BP7